The following is an entry in ClinVar:

ClinVar aggregate classification (germline): Uncertain significance (1 of 4 stars; one submission).

Allele frequency attached by ClinVar (database versions not stated): ExAC 0.00001; gnomAD exomes 0.00001.

Submission:

Labcorp Genetics (formerly Invitae), Labcorp
Classification: Uncertain significance. Last evaluated: 2023-08-04. Review status: criteria provided, single submitter. Criteria: Invitae Variant Classification Sherloc (09022015). Collection method: clinical testing. Allele origin: germline.
Comment: ClinVar contains an entry for this variant (Variation ID: 2071353). This sequence change replaces proline, which is neutral and non-polar, with leucine, which is neutral and non-polar, at codon 430 of the PRDM13 protein (p.Pro430Leu). This variant is present in population databases (rs751100906, gnomAD 0.004%). This variant has not been reported in the literature in individuals affected with PRDM13-related conditions. An algorithm developed to predict the effect of missense changes on protein structure and function (PolyPhen-2) suggests that this variant is likely to be tolerated. In summary, the available evidence is currently insufficient to determine the role of this variant in disease. Therefore, it has been classified as a Variant of Uncertain Significance.

NM_021620.4(PRDM13):c.1289C>T (p.Pro430Leu)

Gene: PRDM13 (PR/SET domain 13; plus strand). Cytogenetic location: 6q16.2.
Variant type: single nucleotide variant.
Coding change: c.1289C>T on transcript NM_021620.4 (MANE Select); coding-DNA position 1289, C replaced by T.
Protein change: p.Pro430Leu; replaces proline 430 with leucine.
Molecular consequence: missense variant.
Genome position (GRCh38, 1-based): chr6:99,613,924, C>T. VCF-style: chr6-99613924-C-T. GRCh37 (hg19) VCF-style: chr6-100061800-C-T.
Other names: short protein forms P430L.
Identifiers: ClinVar variation 2071353 (VCV002071353.4), dbSNP rs751100906, ClinGen allele CA3936345.